The following is an entry in ClinVar:

NM_021076.4(NEFH):c.2378T>A (p.Val793Asp)

Gene: NEFH (neurofilament heavy chain; plus strand). Cytogenetic location: 22q12.2.
Variant type: single nucleotide variant.
Coding change: c.2378T>A on transcript NM_021076.4 (MANE Select); coding-DNA position 2378, T replaced by A.
Protein change: p.Val793Asp; replaces valine 793 with aspartic acid.
Molecular consequence: missense variant.
Genome position (GRCh38, 1-based): chr22:29,490,018, T>A. VCF-style: chr22-29490018-T-A. GRCh37 (hg19) VCF-style: chr22-29886007-T-A.
Other names: short protein forms V793D.
Identifiers: ClinVar variation 2012469 (VCV002012469.4), dbSNP rs762552777, ClinGen allele CA411137195.
Genomic context (GRCh38, chr22:29,490,018, plus strand): 5'-AAGCAAGGTCCCCTGCAGACAAATTCCCTGAAAAGGCCAAAAGCCCTGTCAAGGAGGAGG[T>A]CAAGTCCCCAGAGAAGGCGAAATCTCCCCTGAAGGAGGATGCCAAGGCCCCTGAGAAGGA-3'
Protein context (NP_066554.2, residues 783-803): EKAKSPVKEE[Val793Asp]KSPEKAKSPL

ClinVar aggregate classification (germline): Uncertain significance (1 of 4 stars; one submission).

Allele frequency attached by ClinVar (database versions not stated): gnomAD exomes below 0.00001.
gnomAD v4.1: 1 of 1,608,180 alleles (0.000062%); highest among the groups gnomAD compares: East Asian, 0.0023%; no homozygotes.

Submission:

Labcorp Genetics (formerly Invitae), Labcorp
Classification: Uncertain significance. Last evaluated: 2022-10-07. Review status: criteria provided, single submitter. Criteria: Invitae Variant Classification Sherloc (09022015). Collection method: clinical testing. Allele origin: germline.
Comment: This sequence change replaces valine, which is neutral and non-polar, with aspartic acid, which is acidic and polar, at codon 793 of the NEFH protein (p.Val793Asp). In summary, the available evidence is currently insufficient to determine the role of this variant in disease. Therefore, it has been classified as a Variant of Uncertain Significance. Advanced modeling of protein sequence and biophysical properties (such as structural, functional, and spatial information, amino acid conservation, physicochemical variation, residue mobility, and thermodynamic stability) performed at Invitae indicates that this missense variant is not expected to disrupt NEFH protein function. This variant has not been reported in the literature in individuals affected with NEFH-related conditions. This variant is not present in population databases (gnomAD no frequency).